The following is an entry in ClinVar:

ClinVar aggregate classification (germline): Likely benign. Review status: criteria provided, multiple submitters, no conflicts (2 of 4 stars). 2 submissions from 2 submitters: Likely benign (2). Last evaluated 2026-05-01.

Conditions:
Very long chain acyl-CoA dehydrogenase deficiency (ACADVLD). Also called: VLCAD Deficiency; Very Long-Chain Acyl-Coenzyme A Dehydrogenase Deficiency. Identifiers: Orphanet 26793, MedGen C3887523, MONDO:0008723, OMIM 201475.

Submissions (2):

CeGaT Center for Human Genetics Tuebingen
Classification: Likely benign. Last evaluated: 2026-05-01. Review status: criteria provided, single submitter. Criteria: CeGaT Center For Human Genetics Tuebingen Variant Classification Criteria Version 2. Collection method: clinical testing. Allele origin: germline. Affected: yes. Observed: 1 variant allele.
Comment: ACADVL: PM2:Supporting, BP4, BP7

Labcorp Genetics (formerly Invitae), Labcorp
Classification: Likely benign for Very long chain acyl-CoA dehydrogenase deficiency. Last evaluated: 2020-10-04. Review status: criteria provided, single submitter. Criteria: Invitae Variant Classification Sherloc (09022015). Collection method: clinical testing. Allele origin: germline.

NM_000018.4(ACADVL):c.459G>A (p.Val153=)

Gene: ACADVL (acyl-CoA dehydrogenase very long chain; plus strand). Cytogenetic location: 17p13.1.
Variant type: single nucleotide variant.
Coding change: c.459G>A on transcript NM_000018.4 (MANE Select); coding-DNA position 459, G replaced by A.
Protein change: p.Val153=; no amino-acid change (valine 153 retained).
Molecular consequence: synonymous variant.
Genome position (GRCh38, 1-based): chr17:7,221,040, G>A. VCF-style: chr17-7221040-G-A. GRCh37 (hg19) VCF-style: chr17-7124359-G-A.
Other names: c.393G>A, p.Val131= (NM_001033859.3); c.528G>A, p.Val176= (NM_001270447.2); c.231G>A, p.Val77= (NM_001270448.2).
Identifiers: ClinVar variation 1136275 (VCV001136275.11), dbSNP rs2142969815, ClinGen allele CA497693919.